The following is an entry in ClinVar:

ClinVar aggregate classification (germline): Uncertain significance (1 of 4 stars; one submission).

Allele frequency attached by ClinVar (database versions not stated): gnomAD exomes below 0.00001.

Submission:

Labcorp Genetics (formerly Invitae), Labcorp
Classification: Uncertain significance. Last evaluated: 2022-02-04. Review status: criteria provided, single submitter. Criteria: Invitae Variant Classification Sherloc (09022015). Collection method: clinical testing. Allele origin: germline.
Comment: In summary, the available evidence is currently insufficient to determine the role of this variant in disease. Therefore, it has been classified as a Variant of Uncertain Significance. This sequence change replaces isoleucine, which is neutral and non-polar, with methionine, which is neutral and non-polar, at codon 70 of the C8orf37 protein (p.Ile70Met). This variant is not present in population databases (gnomAD no frequency). This variant has not been reported in the literature in individuals affected with C8orf37-related conditions. Algorithms developed to predict the effect of missense changes on protein structure and function are either unavailable or do not agree on the potential impact of this missense change (SIFT: "Deleterious"; PolyPhen-2: "Probably Damaging"; Align-GVGD: "Class C0").

NM_177965.4(CFAP418):c.210A>G (p.Ile70Met)

Gene: CFAP418 (cilia and flagella associated protein 418; minus strand). Cytogenetic location: 8q22.1.
Variant type: single nucleotide variant.
Coding change: c.210A>G on transcript NM_177965.4 (MANE Select); coding-DNA position 210, A replaced by G.
Protein change: p.Ile70Met; replaces isoleucine 70 with methionine.
Molecular consequence: missense variant.
Genome position (GRCh38, 1-based): chr8:95,263,720, T>C on the plus strand (A>G on the coding strand, the complement: CFAP418 is on the minus strand). VCF-style: chr8-95263720-T-C. GRCh37 (hg19) VCF-style: chr8-96275948-T-C.
Other names: c.210A>G, p.Ile70Met (NM_001363260.1); short protein forms I70M.
Identifiers: ClinVar variation 1681139 (VCV001681139.6), dbSNP rs2132164335, ClinGen allele CA371837583.